The following is an entry in ClinVar:

NM_014806.5(RUSC2):c.2797C>G (p.Pro933Ala)

Gene: RUSC2 (RUN and SH3 domain containing 2; plus strand). Cytogenetic location: 9p13.3.
Variant type: single nucleotide variant.
Coding change: c.2797C>G on transcript NM_014806.5 (MANE Select); coding-DNA position 2797, C replaced by G.
Protein change: p.Pro933Ala; replaces proline 933 with alanine.
Molecular consequence: missense variant. On other transcripts: non-coding transcript variant (1).
Genome position (GRCh38, 1-based): chr9:35,556,092, C>G. VCF-style: chr9-35556092-C-G. GRCh37 (hg19) VCF-style: chr9-35556089-C-G.
Other names: c.2797C>G, p.Pro933Ala (NM_001135999.2); c.163C>G, p.Pro55Ala (NM_001330740.2); short protein forms P55A, P933A.
Identifiers: ClinVar variation 1431322 (VCV001431322.6), dbSNP rs367982196, ClinGen allele CA5043957.

ClinVar aggregate classification (germline): Uncertain significance (1 of 4 stars; one submission).

gnomAD v4.1: 25 of 1,614,076 alleles (0.0015%); highest among the groups gnomAD compares: South Asian, 0.023%; no homozygotes.

Submission:

Labcorp Genetics (formerly Invitae), Labcorp
Classification: Uncertain significance. Last evaluated: 2021-07-02. Review status: criteria provided, single submitter. Criteria: Invitae Variant Classification Sherloc (09022015). Collection method: clinical testing. Allele origin: germline.
Comment: This variant is present in population databases (rs367982196, ExAC 0.02%). This sequence change replaces proline with alanine at codon 933 of the RUSC2 protein (p.Pro933Ala). The proline residue is highly conserved and there is a small physicochemical difference between proline and alanine. This variant has not been reported in the literature in individuals affected with RUSC2-related conditions. Algorithms developed to predict the effect of missense changes on protein structure and function are either unavailable or do not agree on the potential impact of this missense change (SIFT: "Deleterious"; PolyPhen-2: "Benign"; Align-GVGD: "Class C25"). In summary, the available evidence is currently insufficient to determine the role of this variant in disease. Therefore, it has been classified as a Variant of Uncertain Significance.